The following is an entry in ClinVar:

NM_022367.4(SEMA4A):c.1214C>T (p.Thr405Met)

Gene: SEMA4A (semaphorin 4A; plus strand). Cytogenetic location: 1q22.
Variant type: single nucleotide variant.
Coding change: c.1214C>T on transcript NM_022367.4 (MANE Select); coding-DNA position 1214, C replaced by T.
Protein change: p.Thr405Met; replaces threonine 405 with methionine.
Molecular consequence: missense variant.
Genome position (GRCh38, 1-based): chr1:156,172,905, C>T. VCF-style: chr1-156172905-C-T. GRCh37 (hg19) VCF-style: chr1-156142696-C-T.
Other names: c.1214C>T, p.Thr405Met (NM_001193300.2, NM_001193301.2, NM_001370567.1); c.818C>T, p.Thr273Met (NM_001193302.2); c.917C>T, p.Thr306Met (NM_001370568.1); c.707C>T, p.Thr236Met (NM_001370569.1, NM_001370571.1); short protein forms T236M, T273M, T405M, T306M.
Identifiers: ClinVar variation 849640 (VCV000849640.11), dbSNP rs776231562, ClinGen allele CA1155304.

ClinVar aggregate classification (germline): Uncertain significance. Review status: criteria provided, multiple submitters, no conflicts (2 of 4 stars). 5 submissions from 4 submitters: Uncertain significance (5). Last evaluated 2025-07-31.

Conditions:
Cone-rod dystrophy 10 (CORD10). Identifiers: Orphanet 1872, MedGen C1846529, MONDO:0012464, OMIM 610283.
Retinitis pigmentosa 35 (RP35). Identifiers: Orphanet 791, MedGen C1853214, MONDO:0012463, OMIM 610282.

Allele frequency attached by ClinVar (database versions not stated): ExAC 0.00003; gnomAD 0.00003 and 0.00004; gnomAD exomes 0.00006 and 0.00007; TOPMed 0.00008.
gnomAD v4.1: 89 of 1,614,024 alleles (0.0055%); highest among the groups gnomAD compares: East Asian, 0.029%; no homozygotes.

Submissions (5):

Labcorp Genetics (formerly Invitae), Labcorp
Classification: Uncertain significance. Last evaluated: 2025-07-31. Review status: criteria provided, single submitter. Criteria: Invitae Variant Classification Sherloc (09022015). Collection method: clinical testing. Allele origin: germline.
Comment: This sequence change replaces threonine, which is neutral and polar, with methionine, which is neutral and non-polar, at codon 405 of the SEMA4A protein (p.Thr405Met). This variant is present in population databases (rs776231562, gnomAD 0.04%). This variant has not been reported in the literature in individuals affected with SEMA4A-related conditions. ClinVar contains an entry for this variant (Variation ID: 849640). Invitae Evidence Modeling of protein sequence and biophysical properties (such as structural, functional, and spatial information, amino acid conservation, physicochemical variation, residue mobility, and thermodynamic stability) indicates that this missense variant is not expected to disrupt SEMA4A protein function with a negative predictive value of 80%. In summary, the available evidence is currently insufficient to determine the role of this variant in disease. Therefore, it has been classified as a Variant of Uncertain Significance.

Blueprint Genetics
Classification: Uncertain significance. Last evaluated: 2024-05-30. Review status: criteria provided, single submitter. Criteria: ACMG Guidelines, 2015. Collection method: clinical testing. Allele origin: germline.

Genome-Nilou Lab
Classification: Uncertain significance for Cone-rod dystrophy 10. Last evaluated: 2023-04-11. Review status: criteria provided, single submitter. Criteria: ACMG Guidelines, 2015. Collection method: clinical testing. Allele origin: germline. Affected: no.

Genome-Nilou Lab
Classification: Uncertain significance for Retinitis pigmentosa 35. Last evaluated: 2023-04-11. Review status: criteria provided, single submitter. Criteria: ACMG Guidelines, 2015. Collection method: clinical testing. Allele origin: germline. Affected: no.

Ambry Genetics
Classification: Uncertain significance. Last evaluated: 2021-07-13. Review status: criteria provided, single submitter. Criteria: Ambry Variant Classification Scheme 2023. Collection method: clinical testing. Allele origin: germline.